The following is an entry in ClinVar:

ClinVar aggregate classification (germline): Pathogenic (1 of 4 stars; one submission).

Submission:

Labcorp Genetics (formerly Invitae), Labcorp
Classification: Pathogenic. Last evaluated: 2023-11-22. Review status: criteria provided, single submitter. Criteria: Invitae Variant Classification Sherloc (09022015). Collection method: clinical testing. Allele origin: germline.
Comment: This sequence change creates a premature translational stop signal (p.Phe1654Trpfs*5) in the ALPK3 gene. It is expected to result in an absent or disrupted protein product. Loss-of-function variants in ALPK3 are known to be pathogenic (PMID: 21441111, 26846950, 27106955, 34263907). This variant is not present in population databases (gnomAD no frequency). This variant has not been reported in the literature in individuals affected with ALPK3-related conditions. For these reasons, this variant has been classified as Pathogenic.

Literature cited by the submitters: PubMed 21441111; PubMed 26846950; PubMed 27106955; PubMed 34263907.

NM_020778.5(ALPK3):c.4353_4354del (p.Phe1452fs)

Gene: ALPK3 (alpha kinase 3; plus strand). Cytogenetic location: 15q25.3.
Variant type: Microsatellite.
Coding change: c.4353_4354del on transcript NM_020778.5 (MANE Select); coding-DNA positions 4353 to 4354, 2 bases deleted (GT; older notation c.4353_4354delGT).
Protein change: p.Phe1452fs; shifts the reading frame from phenylalanine 1452.
Molecular consequence: frameshift variant.
Genome position (GRCh38, 1-based): chr15:84,862,858-84,862,859, GT deleted; deleting any 2 consecutive bases within chr15:84,862,855-84,862,859 gives the same sequence; the c. name uses the placement nearest the transcript's 3' end. VCF-style (leftmost placement, unchanged base first): chr15-84862854-TTG-T. GRCh37 (hg19) VCF-style: chr15-85406085-TTG-T.
Other names: short protein forms F1452fs.
Identifiers: ClinVar variation 2698176 (VCV002698176.3), dbSNP rs2505727626, ClinGen allele CA2697549363.